The following is an entry in ClinVar:

NM_001130438.3(SPTAN1):c.1817A>G (p.Asn606Ser)

Gene: SPTAN1 (spectrin alpha, non-erythrocytic 1; plus strand). Cytogenetic location: 9q34.11.
Variant type: single nucleotide variant.
Coding change: c.1817A>G on transcript NM_001130438.3 (MANE Select); coding-DNA position 1817, A replaced by G.
Protein change: p.Asn606Ser; replaces asparagine 606 with serine.
Molecular consequence: missense variant.
Genome position (GRCh38, 1-based): chr9:128,583,087, A>G. VCF-style: chr9-128583087-A-G. GRCh37 (hg19) VCF-style: chr9-131345366-A-G.
Other names: c.1817A>G, p.Asn606Ser (NM_001195532.2, NM_001363759.2, NM_001363765.2 and 10 more transcripts); c.1853A>G, p.Asn618Ser (NM_001375312.2, NM_001375318.1, NM_001438440.1); short protein forms N618S, N606S.
Identifiers: ClinVar variation 5007395 (VCV005007395.2).

ClinVar aggregate classification (germline): Uncertain significance (1 of 4 stars; one submission).

Conditions:
Neuronopathy, distal hereditary motor, autosomal dominant 11. Also called: NEUROPATHY, DISTAL HEREDITARY MOTOR, 11. Identifiers: MedGen C5882697, MONDO:0957875, OMIM 620528.
Spastic paraplegia 91, autosomal dominant, with or without cerebellar ataxia (SPG91). Identifiers: MedGen C5882701, MONDO:0957813, OMIM 620538.
Developmental delay with or without epilepsy (DEVEP). Identifiers: MedGen C5882702, MONDO:0957815, OMIM 620540.
Developmental and epileptic encephalopathy, 5 (DEE5). Identifiers: Orphanet 3451, MedGen C3150731, MONDO:0013277, OMIM 613477.

Submission:

Juno Genomics, Hangzhou Juno Genomics, Inc
Classification: Uncertain significance for Developmental delay with or without epilepsy; Neuronopathy, distal hereditary motor, autosomal dominant 11; Spastic paraplegia 91, autosomal dominant, with or without cerebellar ataxia; Developmental and epileptic encephalopathy, 5. Review status: criteria provided, single submitter. Criteria: ACMG Guidelines, 2015. Collection method: clinical testing. Allele origin: germline.
Comment: Absent from controls (or at extremely low frequency if recessive) in Genome Aggregation Database.;Missense variant in a gene that has a low rate of benign missense variation.